The following is an entry in ClinVar:

NM_001743.6(CALM2):c.33A>G (p.Ala11=)

Gene: CALM2 (calmodulin 2; minus strand). Cytogenetic location: 2p21.
Variant type: single nucleotide variant.
Coding change: c.33A>G on transcript NM_001743.6 (MANE Select); coding-DNA position 33, A replaced by G.
Protein change: p.Ala11=; no amino-acid change (alanine 11 retained).
Molecular consequence: synonymous variant. On other transcripts: 5 prime UTR variant (2).
Genome position (GRCh38, 1-based): chr2:47,170,735, T>C on the plus strand (A>G on the coding strand, the complement: CALM2 is on the minus strand). VCF-style: chr2-47170735-T-C. GRCh37 (hg19) VCF-style: chr2-47397874-T-C.
Other names: c.33A>G (NM_001743.4); c.177A>G, p.Ala59= (NM_001305624.1); c.-76A>G (NM_001305625.2, NM_001305626.1).
Identifiers: ClinVar variation 1058419 (VCV001058419.12), dbSNP rs1324754202, ClinGen allele CA425961724.

ClinVar aggregate classification (germline): Conflicting classifications of pathogenicity. Review status: criteria provided, conflicting classifications (1 of 4 stars). 3 submissions from 3 submitters: Uncertain significance (1); Likely benign (2). Last evaluated 2025-07-14.

Conditions:
Cardiovascular phenotype. Identifiers: MedGen CN230736.
Long QT syndrome 1 (LQT1). Identifiers: Orphanet 101016, Orphanet 768, MedGen C4551647, MONDO:0100316, OMIM 192500, MONDO:0008646.

Allele frequency attached by ClinVar (database versions not stated): gnomAD exomes below 0.00001; TOPMed below 0.00001; gnomAD 0.00001.
gnomAD v4.1: 4 of 1,612,282 alleles (0.00025%); highest among the groups gnomAD compares: South Asian, 0.0011%; no homozygotes.

Submissions (3):

Labcorp Genetics (formerly Invitae), Labcorp
Classification: Likely benign for Long QT syndrome 1. Last evaluated: 2025-07-14. Review status: criteria provided, single submitter. Criteria: Invitae Variant Classification Sherloc (09022015). Collection method: clinical testing. Allele origin: germline.

GeneDx
Classification: Uncertain significance. Last evaluated: 2024-01-03. Review status: criteria provided, single submitter. Criteria: GeneDx Variant Classification Process June 2021. Collection method: clinical testing. Allele origin: germline. Affected: yes.
Comment: Has not been previously published as pathogenic or benign to our knowledge; Not observed at significant frequency in large population cohorts (gnomAD); In silico analysis supports that this variant does not alter splicing

Ambry Genetics
Classification: Likely benign for Cardiovascular phenotype. Last evaluated: 2023-09-01. Review status: criteria provided, single submitter. Criteria: Ambry Variant Classification Scheme 2023. Collection method: clinical testing. Allele origin: germline.